The following is an entry in ClinVar:

ClinVar aggregate classification (germline): Pathogenic (1 of 4 stars; one submission).

Conditions:
Mendelian susceptibility to mycobacterial diseases due to complete IL12B deficiency. Also called: Immunodeficiency 29; IL12B DEFICIENCY. Identifiers: Orphanet 319558, MedGen C4013948, MONDO:0013954, OMIM 614890.

Allele frequency attached by ClinVar (database versions not stated): TOPMed below 0.00001; gnomAD 0.00001.

Submission:

Labcorp Genetics (formerly Invitae), Labcorp
Classification: Pathogenic for Mendelian susceptibility to mycobacterial diseases due to complete IL12B deficiency. Last evaluated: 2017-12-06. Review status: criteria provided, single submitter. Criteria: Invitae Variant Classification Sherloc (09022015). Collection method: clinical testing. Allele origin: germline.
Comment: This sequence change creates a premature translational stop signal (p.Gln87*) in the IL12B gene. It is expected to result in an absent or disrupted protein product. This variant is not present in population databases (ExAC no frequency). This variant has not been reported in the literature in individuals with IL12B-related disease. Loss-of-function variants in IL12B are known to be pathogenic (PMID: 11753820, 23429356). For these reasons, this variant has been classified as Pathogenic.

Literature cited by the submitters: PubMed 11753820; PubMed 23429356.

NM_002187.3(IL12B):c.259C>T (p.Gln87Ter)

Gene: IL12B (interleukin 12B; minus strand). Cytogenetic location: 5q33.3.
Variant type: single nucleotide variant.
Coding change: c.259C>T on transcript NM_002187.3 (MANE Select); coding-DNA position 259, C replaced by T.
Protein change: p.Gln87Ter; replaces glutamine 87 with a stop codon.
Molecular consequence: nonsense.
Genome position (GRCh38, 1-based): chr5:159,323,159, G>A on the plus strand (C>T on the coding strand, the complement: IL12B is on the minus strand). VCF-style: chr5-159323159-G-A. GRCh37 (hg19) VCF-style: chr5-158750167-G-A.
Other names: short protein forms Q87*.
Identifiers: ClinVar variation 571326 (VCV000571326.3), dbSNP rs1562113567, ClinGen allele CA362035708.